The following is an entry in ClinVar:

NM_001129.5(AEBP1):c.598G>T (p.Ala200Ser)

Gene: AEBP1 (AE binding protein 1; plus strand). Cytogenetic location: 7p13.
Variant type: single nucleotide variant.
Coding change: c.598G>T on transcript NM_001129.5 (MANE Select); coding-DNA position 598, G replaced by T.
Protein change: p.Ala200Ser; replaces alanine 200 with serine.
Molecular consequence: missense variant.
Genome position (GRCh38, 1-based): chr7:44,107,441, G>T. VCF-style: chr7-44107441-G-T. GRCh37 (hg19) VCF-style: chr7-44147040-G-T.
Other names: short protein forms A200S.
Identifiers: ClinVar variation 4853117 (VCV004853117.1).

ClinVar aggregate classification (germline): Uncertain significance (1 of 4 stars; one submission).

gnomAD v4.1: 13 of 1,613,154 alleles (0.00081%); highest among the groups gnomAD compares: Non-Finnish European, 0.001%; no homozygotes.

Submission:

Women's Health and Genetics/Laboratory Corporation of America, LabCorp
Classification: Uncertain significance. Last evaluated: 2026-05-13. Review status: criteria provided, single submitter. Criteria: LabCorp Variant Classification Summary - May 2015. Collection method: clinical testing. Allele origin: germline.
Comment: Variant summary: AEBP1 c.598G>T (p.Ala200Ser) results in a conservative amino acid change in the encoded protein sequence. Algorithms developed to predict the effect of missense changes on protein structure and function all suggest that this variant is likely to be tolerated. Consensus agreement among computation tools predict no significant impact on normal splicing. However, these predictions have yet to be confirmed by functional studies. The variant allele was found at a frequency of 1.6e-05 in 250128 control chromosomes. The available data on variant occurrences in the general population are insufficient to allow any conclusion about variant significance. To our knowledge, no occurrence of c.598G>T in individuals affected with AEBP1-related conditions and no experimental evidence demonstrating its impact on protein function have been reported. No submitters have cited clinical-significance assessments for this variant to ClinVar. Based on the evidence outlined above, the variant was classified as uncertain significance.